The following is an entry in ClinVar:

ClinVar aggregate classification (germline): Likely benign. Review status: criteria provided, multiple submitters, no conflicts (2 of 4 stars). 3 submissions from 3 submitters: Likely benign (2). 1 of the submissions does not count toward it. Last evaluated 2025-10-26.

Conditions:
DDC-related disorder. Also called: DDC-related condition.
Deficiency of aromatic-L-amino-acid decarboxylase. Also called: AADC DEFICIENCY; DDC DEFICIENCY; DOPA DECARBOXYLASE DEFICIENCY; Aromatic L-Amino Acid Decarboxylase Deficiency; Aromatic amino acid decarboxylase deficiency. Identifiers: Orphanet 35708, MedGen C1291564, MONDO:0012084, OMIM 608643.

Allele frequency attached by ClinVar (database versions not stated): gnomAD exomes 0.00001; gnomAD 0.00002; TOPMed 0.00002; ExAC 0.00003.
gnomAD v4.1: 20 of 1,613,838 alleles (0.0012%); highest among the groups gnomAD compares: Middle Eastern, 0.033%; no homozygotes.

Submissions (3):

Labcorp Genetics (formerly Invitae), Labcorp
Classification: Likely benign for Deficiency of aromatic-L-amino-acid decarboxylase. Last evaluated: 2025-10-26. Review status: criteria provided, single submitter. Criteria: Invitae Variant Classification Sherloc (09022015). Collection method: clinical testing. Allele origin: germline.

Blueprint Genetics
Classification: Likely benign. Last evaluated: 2021-05-21. Review status: criteria provided, single submitter. Criteria: ACMG Guidelines, 2015. Collection method: clinical testing. Allele origin: germline.

PreventionGenetics, part of Exact Sciences
Classification: Likely benign for DDC-related condition. Last evaluated: 2024-05-17. Review status: no assertion criteria provided. Collection method: clinical testing. Allele origin: germline. Not counted in ClinVar's aggregate classification.
Comment: This variant is classified as likely benign based on ACMG/AMP sequence variant interpretation guidelines (Richards et al. 2015 PMID: 25741868, with internal and published modifications).

NM_001082971.2(DDC):c.231C>T (p.Phe77=)

Genes: DDC (dopa decarboxylase; minus strand), DDC-AS1 (DDC antisense RNA 1; plus strand). Cytogenetic location: 7p12.1.
Variant type: single nucleotide variant.
Coding change: c.231C>T on transcript NM_001082971.2 (MANE Select); coding-DNA position 231, C replaced by T.
Protein change: p.Phe77=; no amino-acid change (phenylalanine 77 retained).
Molecular consequence: synonymous variant. On other transcripts: non-coding transcript variant (1), intron variant (2).
Genome position (GRCh38, 1-based): chr7:50,539,999, G>A on the plus strand (C>T on the coding strand, the complement: DDC is on the minus strand). VCF-style: chr7-50539999-G-A. GRCh37 (hg19) VCF-style: chr7-50607697-G-A.
Other names: c.231C>T, p.Phe77= (NM_000790.4, NM_001242887.2, NM_001242889.2 and 1 more transcripts); c.201+3886C>T (NM_001242888.2); c.202-2020C>T (NM_001242886.2); c.231C>T (NM_000790.3).
Identifiers: ClinVar variation 1531760 (VCV001531760.11), dbSNP rs751519679, ClinGen allele CA4262442.